The following is an entry in ClinVar:

ClinVar aggregate classification (germline): Uncertain significance (1 of 4 stars; one submission).

Submission:

Labcorp Genetics (formerly Invitae), Labcorp
Classification: Uncertain significance. Last evaluated: 2024-05-07. Review status: criteria provided, single submitter. Criteria: Invitae Variant Classification Sherloc (09022015). Collection method: clinical testing. Allele origin: germline.
Comment: This sequence change falls in intron 9 of the CLCC1 gene. It does not directly change the encoded amino acid sequence of the CLCC1 protein. It affects a nucleotide within the consensus splice site. This variant is not present in population databases (gnomAD no frequency). This variant has not been reported in the literature in individuals affected with CLCC1-related conditions. ClinVar contains an entry for this variant (Variation ID: 2108324). Variants that disrupt the consensus splice site are a relatively common cause of aberrant splicing (PMID: 17576681, 9536098). In summary, the available evidence is currently insufficient to determine the role of this variant in disease. Therefore, it has been classified as a Variant of Uncertain Significance.

Literature cited by the submitters: PubMed 17576681; PubMed 9536098.

NM_001377458.1(CLCC1):c.1042-3_1042-2del

Gene: CLCC1 (chloride channel CLIC like 1; minus strand). Cytogenetic location: 1p13.3.
Variant type: Deletion.
Coding change: c.1042-3_1042-2del on transcript NM_001377458.1 (MANE Select); 3 bases into the intron before coding-DNA position 1042 through the canonical splice acceptor site of the intron before coding-DNA position 1042, 2 bases deleted (CA; older notation c.1042-3_1042-2delCA).
Molecular consequence: splice acceptor variant.
Genome position (GRCh38, 1-based): chr1:108,937,420-108,937,421, TG deleted on the plus strand (CA on the coding strand, the reverse complement: CLCC1 is on the minus strand); deleting any 2 consecutive bases within chr1:108,937,420-108,937,422 gives the same sequence; the c. name uses the placement nearest the transcript's 3' end. VCF-style (leftmost placement, unchanged base first): chr1-108937419-CTG-C. GRCh37 (hg19) VCF-style: chr1-109480041-CTG-C.
Other names: c.1042-3_1042-2del (NM_001377464.1, NM_001377462.1, NM_001377467.1 and 8 more transcripts); c.940-3_940-2del (NM_001377469.1); c.892-3_892-2del (NM_015127.5); c.751-3_751-2del (NM_001377470.1); c.679-3_679-2del (NM_001278202.2); c.487-3_487-2del (NM_001278203.1).
Identifiers: ClinVar variation 2108324 (VCV002108324.4), dbSNP rs2524116225, ClinGen allele CA2573884036.